The following is an entry in ClinVar:

NM_007194.4(CHEK2):c.549G>A (p.Leu183=)

Gene: CHEK2 (checkpoint kinase 2; minus strand). Cytogenetic location: 22q12.1.
Variant type: single nucleotide variant.
Coding change: c.549G>A on transcript NM_007194.4 (MANE Select); coding-DNA position 549, G replaced by A.
Protein change: p.Leu183=; no amino-acid change (leucine 183 retained).
Molecular consequence: synonymous variant. On other transcripts: 5 prime UTR variant (2), intron variant (1).
Genome position (GRCh38, 1-based): chr22:28,725,020, C>T on the plus strand (G>A on the coding strand, the complement: CHEK2 is on the minus strand). VCF-style: chr22-28725020-C-T. GRCh37 (hg19) VCF-style: chr22-29121008-C-T.
Other names: c.678G>A, p.Leu226= (NM_001005735.3, NM_001438294.1); c.-229G>A (NM_001257387.3); c.-115G>A (NM_001437942.1); c.642G>A, p.Leu214= (NM_001438293.1, NM_001438295.1); c.549G>A, p.Leu183= (NM_145862.3); c.445-97G>A (NM_001349956.3).
Identifiers: ClinVar variation 825773 (VCV000825773.7), dbSNP rs745646057, ClinGen allele CA514168725.
Genomic context (GRCh38, chr22:28,725,020, plus strand): 5'-TAAGATAATAATATTACCTTTATTTCTGCTTAGTGACAGTGCAATTTCAGAATTGTTATT[C>T]AAAGGACGGCGTTTTCCTTTCCCTACAAGCTCTGTATTTACAAAGGTTCCATTGCCACTG-3'
Protein context (NP_009125.1, residues 173-193): ELVGKGKRRP[Leu183=]NNNSEIALSL

ClinVar aggregate classification (germline): Benign/Likely benign. Review status: criteria provided, multiple submitters, no conflicts (2 of 4 stars). 3 submissions from 3 submitters: Benign (1); Likely benign (2). Last evaluated 2024-11-15.

Conditions:
Hereditary cancer-predisposing syndrome. Also called: Neoplastic Syndromes, Hereditary; Tumor predisposition; Hereditary neoplastic syndrome; Hereditary Cancer Syndrome. Identifiers: Orphanet 140162, MedGen C0027672, MeSH D009386, MONDO:0015356.
Familial cancer of breast. Also called: BREAST CANCER, FAMILIAL; Hereditary breast cancer; hereditary breast carcinoma. Identifiers: Orphanet 227535, MedGen C0346153, MONDO:0016419, OMIM 114480. Disease mechanism: loss of function.

gnomAD v4.1: 1 of 1,613,880 alleles (0.000062%); highest among the groups gnomAD compares: Non-Finnish European, 0.000085%; no homozygotes.

Submissions (3):

Labcorp Genetics (formerly Invitae), Labcorp
Classification: Likely benign for Familial cancer of breast. Last evaluated: 2024-11-15. Review status: criteria provided, single submitter. Criteria: Invitae Variant Classification Sherloc (09022015). Collection method: clinical testing. Allele origin: germline.

Myriad Genetics, Inc.
Classification: Benign for Familial cancer of breast. Last evaluated: 2024-10-02. Review status: criteria provided, single submitter. Criteria: Myriad Autosomal Dominant, Autosomal Recessive and X-Linked Classification Criteria (2023). Collection method: clinical testing. Allele origin: unknown.
Comment: This variant is considered benign. This variant is a silent/synonymous amino acid change and it is not expected to impact splicing.

Ambry Genetics
Classification: Likely benign for Hereditary cancer-predisposing syndrome. Last evaluated: 2018-06-06. Review status: criteria provided, single submitter. Criteria: Ambry Variant Classification Scheme 2023. Collection method: clinical testing. Allele origin: germline.